The following is an entry in ClinVar:

NM_002335.4(LRP5):c.2567A>C (p.Asp856Ala)

Gene: LRP5 (LDL receptor related protein 5; plus strand). Cytogenetic location: 11q13.2.
Variant type: single nucleotide variant.
Coding change: c.2567A>C on transcript NM_002335.4 (MANE Select); coding-DNA position 2567, A replaced by C.
Protein change: p.Asp856Ala; replaces aspartic acid 856 with alanine.
Molecular consequence: missense variant.
Genome position (GRCh38, 1-based): chr11:68,413,752, A>C. VCF-style: chr11-68413752-A-C. GRCh37 (hg19) VCF-style: chr11-68181220-A-C.
Other names: c.2567A>C (NM_002335.2); c.824A>C, p.Asp275Ala (NM_001291902.2); short protein forms D856A, D275A.
Identifiers: ClinVar variation 1358785 (VCV001358785.9), dbSNP rs1349149546, ClinGen allele CA381618318.

ClinVar aggregate classification (germline): Uncertain significance. Review status: criteria provided, multiple submitters, no conflicts (2 of 4 stars). 2 submissions from 2 submitters: Uncertain significance (2). Last evaluated 2024-12-06.

Conditions:
Inborn genetic diseases. Identifiers: MedGen C0950123, MeSH D030342.

Allele frequency attached by ClinVar (database versions not stated): gnomAD exomes below 0.00001 and 0.00001.
gnomAD v4.1: 2 of 1,613,732 alleles (0.00012%); highest among the groups gnomAD compares: Non-Finnish European, 0.000085%; no homozygotes.

Submissions (2):

Ambry Genetics
Classification: Uncertain significance for Inborn genetic diseases. Last evaluated: 2024-12-06. Review status: criteria provided, single submitter. Criteria: Ambry Variant Classification Scheme 2023. Collection method: clinical testing. Allele origin: germline.

Labcorp Genetics (formerly Invitae), Labcorp
Classification: Uncertain significance. Last evaluated: 2021-09-15. Review status: criteria provided, single submitter. Criteria: Invitae Variant Classification Sherloc (09022015). Collection method: clinical testing. Allele origin: germline.
Comment: Advanced modeling of protein sequence and biophysical properties (such as structural, functional, and spatial information, amino acid conservation, physicochemical variation, residue mobility, and thermodynamic stability) performed at Invitae indicates that this missense variant is expected to disrupt LRP5 protein function. This sequence change replaces aspartic acid with alanine at codon 856 of the LRP5 protein (p.Asp856Ala). The aspartic acid residue is highly conserved and there is a moderate physicochemical difference between aspartic acid and alanine. This variant is not present in population databases (ExAC no frequency). This variant has not been reported in the literature in individuals affected with LRP5-related conditions. In summary, the available evidence is currently insufficient to determine the role of this variant in disease. Therefore, it has been classified as a Variant of Uncertain Significance.